The following is an entry in ClinVar:

NM_001927.4(DES):c.368T>G (p.Ile123Ser)

Gene: DES (desmin; plus strand). Cytogenetic location: 2q35.
Variant type: single nucleotide variant.
Coding change: c.368T>G on transcript NM_001927.4 (MANE Select); coding-DNA position 368, T replaced by G.
Protein change: p.Ile123Ser; replaces isoleucine 123 with serine.
Molecular consequence: missense variant.
Genome position (GRCh38, 1-based): chr2:219,418,830, T>G. VCF-style: chr2-219418830-T-G. GRCh37 (hg19) VCF-style: chr2-220283552-T-G.
Other names: c.368T>G, p.Ile123Ser (NM_001382708.1, NM_001382709.1, NM_001382710.1 and 3 more transcripts); short protein forms I123S.
Identifiers: ClinVar variation 2943860 (VCV002943860.4), dbSNP rs1954373441, ClinGen allele CA350685602.

ClinVar aggregate classification (germline): Uncertain significance. Review status: criteria provided, multiple submitters, no conflicts (2 of 4 stars). 2 submissions from 2 submitters: Uncertain significance (2). Last evaluated 2024-05-08.

Conditions:
Desmin-related myofibrillar myopathy (MFM1). Also called: MYOFIBRILLAR MYOPATHY WITH ARRHYTHMOGENIC RIGHT VENTRICULAR CARDIOMYOPATHY; DESMIN-RELATED MYOPATHY WITH ARRHYTHMOGENIC RIGHT VENTRICULAR CARDIOMYOPATHY; Myofibrillar myopathy 1; Desminopathy; Desmin related myopathy (former name); Desmin storage myopathy (former name). Identifiers: Orphanet 363543, Orphanet 98909, MedGen C1832370, MONDO:0011076, OMIM 601419.

Submissions (2):

GeneDx
Classification: Uncertain significance. Last evaluated: 2024-05-08. Review status: criteria provided, single submitter. Criteria: GeneDx Variant Classification Process June 2021. Collection method: clinical testing. Allele origin: germline. Affected: yes.
Comment: Not observed at significant frequency in large population cohorts (gnomAD); In silico analysis supports that this missense variant has a deleterious effect on protein structure/function; Has not been previously published as pathogenic or benign to our knowledge; This variant is associated with the following publications: (PMID: 26807690)

Labcorp Genetics (formerly Invitae), Labcorp
Classification: Uncertain significance for Desmin-related myofibrillar myopathy. Last evaluated: 2023-02-02. Review status: criteria provided, single submitter. Criteria: Invitae Variant Classification Sherloc (09022015). Collection method: clinical testing. Allele origin: germline.
Comment: This sequence change replaces isoleucine, which is neutral and non-polar, with serine, which is neutral and polar, at codon 123 of the DES protein (p.Ile123Ser). This variant is not present in population databases (gnomAD no frequency). This variant has not been reported in the literature in individuals affected with DES-related conditions. Advanced modeling of protein sequence and biophysical properties (such as structural, functional, and spatial information, amino acid conservation, physicochemical variation, residue mobility, and thermodynamic stability) performed at Invitae indicates that this missense variant is expected to disrupt DES protein function. In summary, the available evidence is currently insufficient to determine the role of this variant in disease. Therefore, it has been classified as a Variant of Uncertain Significance.